The following is an entry in ClinVar:

ClinVar aggregate classification (germline): Uncertain significance (1 of 4 stars; one submission).

Conditions:
Hereditary cancer-predisposing syndrome. Also called: Neoplastic Syndromes, Hereditary; Tumor predisposition; Hereditary neoplastic syndrome; Hereditary Cancer Syndrome. Identifiers: Orphanet 140162, MedGen C0027672, MeSH D009386, MONDO:0015356.

gnomAD v4.1: 2 of 1,599,260 alleles (0.00013%); highest among the groups gnomAD compares: Admixed American, 0.0017%; no homozygotes.

Submission:

Ambry Genetics
Classification: Uncertain significance for Hereditary cancer-predisposing syndrome. Last evaluated: 2024-06-06. Review status: criteria provided, single submitter. Criteria: Ambry Variant Classification Scheme 2023. Collection method: clinical testing. Allele origin: germline.
Comment: The p.I512T variant (also known as c.1535T>C), located in coding exon 12 of the POT1 gene, results from a T to C substitution at nucleotide position 1535. The isoleucine at codon 512 is replaced by threonine, an amino acid with similar properties. This amino acid position is conserved. In addition, this alteration is predicted to be tolerated by in silico analysis. Based on the available evidence, the clinical significance of this variant remains unclear.

NM_015450.3(POT1):c.1535T>C (p.Ile512Thr)

Gene: POT1 (protection of telomeres 1; minus strand). Cytogenetic location: 7q31.33.
Variant type: single nucleotide variant.
Coding change: c.1535T>C on transcript NM_015450.3 (MANE Select); coding-DNA position 1535, T replaced by C.
Protein change: p.Ile512Thr; replaces isoleucine 512 with threonine.
Molecular consequence: missense variant. On other transcripts: non-coding transcript variant (2).
Genome position (GRCh38, 1-based): chr7:124,829,313, A>G on the plus strand (T>C on the coding strand, the complement: POT1 is on the minus strand). VCF-style: chr7-124829313-A-G. GRCh37 (hg19) VCF-style: chr7-124469367-A-G.
Other names: c.1142T>C, p.Ile381Thr (NM_001042594.2); short protein forms I381T, I512T.
Identifiers: ClinVar variation 3308979 (VCV003308979.1).